The following is an entry in ClinVar:

ClinVar aggregate classification (germline): Uncertain significance. Review status: criteria provided, single submitter (1 of 4 stars). 2 submissions from 2 submitters: Uncertain significance (1). 1 of the submissions does not count toward it. Last evaluated 2017-09-26.

Conditions:
NR1H4-related disorder. Also called: NR1H4-related condition.

Allele frequency attached by ClinVar (database versions not stated): ExAC 0.00001; TOPMed 0.00002; gnomAD 0.00003; gnomAD exomes below 0.00001.
gnomAD v4.1: 14 of 1,088,816 alleles (0.0013%); highest among the groups gnomAD compares: Non-Finnish European, 0.0019%; no homozygotes.

Submissions (2):

Eurofins Ntd Llc (ga)
Classification: Uncertain significance. Last evaluated: 2017-09-26. Review status: criteria provided, single submitter. Criteria: EGL Classification Definitions 2015. Collection method: clinical testing. Allele origin: germline. Observed: 1 variant allele, 1 heterozygote.

PreventionGenetics, part of Exact Sciences
Classification: Likely benign for NR1H4-related condition. Last evaluated: 2024-06-01. Review status: no assertion criteria provided. Collection method: clinical testing. Allele origin: germline. Not counted in ClinVar's aggregate classification.
Comment: This variant is classified as likely benign based on ACMG/AMP sequence variant interpretation guidelines (Richards et al. 2015 PMID: 25741868, with internal and published modifications).

NM_001206979.2(NR1H4):c.1079-8C>T

Gene: NR1H4 (nuclear receptor subfamily 1 group H member 4; plus strand). Cytogenetic location: 12q23.1.
Variant type: single nucleotide variant.
Coding change: c.1079-8C>T on transcript NM_001206979.2 (MANE Select); 8 bases into the intron before coding-DNA position 1079, C replaced by T.
Molecular consequence: intron variant.
Genome position (GRCh38, 1-based): chr12:100,561,877, C>T. VCF-style: chr12-100561877-C-T. GRCh37 (hg19) VCF-style: chr12-100955655-C-T.
Other names: c.1079-8C>T (NM_001206977.2); c.1067-8C>T (NM_005123.4, NM_005123.3); c.926-8C>T (NM_001206978.2); c.1109-8C>T (NM_001206993.2); c.1097-8C>T (NM_001206992.2).
Identifiers: ClinVar variation 593955 (VCV000593955.6), dbSNP rs764238006, ClinGen allele CA6739421.